The following is an entry in ClinVar:

ClinVar aggregate classification (germline): Conflicting classifications of pathogenicity. Review status: criteria provided, conflicting classifications (1 of 4 stars). 2 submissions from 2 submitters: Uncertain significance (1); Likely benign (1). Last evaluated 2025-03-17.

Allele frequency attached by ClinVar (database versions not stated): ExAC 0.00001; TOPMed 0.00003; gnomAD 0.00004; ESP Exome Variant Server 0.00008.
gnomAD v4.1: 22 of 1,613,664 alleles (0.0014%); highest among the groups gnomAD compares: African/African-American, 0.0027%; no homozygotes.

Submissions (2):

Labcorp Genetics (formerly Invitae), Labcorp
Classification: Uncertain significance. Last evaluated: 2025-03-17. Review status: criteria provided, single submitter. Criteria: Invitae Variant Classification Sherloc (09022015). Collection method: clinical testing. Allele origin: germline.
Comment: This sequence change affects codon 253 of the TYRP1 mRNA. It is a 'silent' change, meaning that it does not change the encoded amino acid sequence of the TYRP1 protein. This variant is present in population databases (rs371227148, gnomAD 0.002%). This variant has not been reported in the literature in individuals affected with TYRP1-related conditions. ClinVar contains an entry for this variant (Variation ID: 1989166). Algorithms developed to predict the effect of sequence changes on RNA splicing suggest that this variant may disrupt the consensus splice site. In summary, the available evidence is currently insufficient to determine the role of this variant in disease. Therefore, it has been classified as a Variant of Uncertain Significance.

Blueprint Genetics
Classification: Likely benign. Last evaluated: 2022-03-16. Review status: criteria provided, single submitter. Criteria: ACMG Guidelines, 2015. Collection method: clinical testing. Allele origin: germline.

NM_000550.3(TYRP1):c.759G>A (p.Thr253=)

Gene: TYRP1 (tyrosinase related protein 1; plus strand). Cytogenetic location: 9p23.
Variant type: single nucleotide variant.
Coding change: c.759G>A on transcript NM_000550.3 (MANE Select); coding-DNA position 759, G replaced by A.
Protein change: p.Thr253=; no amino-acid change (threonine 253 retained).
Molecular consequence: synonymous variant.
Genome position (GRCh38, 1-based): chr9:12,698,501, G>A. VCF-style: chr9-12698501-G-A. GRCh37 (hg19) VCF-style: chr9-12698501-G-A.
Identifiers: ClinVar variation 1989166 (VCV001989166.3), dbSNP rs371227148, ClinGen allele CA4985318.